The following is an entry in ClinVar:

NM_003718.5(CDK13):c.210_224del (p.Ala72_Ala76del)

Genes: CDK13 (cyclin dependent kinase 13; plus strand), LOC129998292 (ATAC-STARR-seq lymphoblastoid silent region 18115; plus strand). Cytogenetic location: 7p14.1.
Variant type: Deletion.
Coding change: c.210_224del on transcript NM_003718.5 (MANE Select); coding-DNA positions 210 to 224, 15 bases deleted (AGCCGCCGCCGCCGC).
Protein change: p.Ala72_Ala76del.
Molecular consequence: inframe indel (on NM_031267.4).
Genome position (GRCh38, 1-based): chr7:39,950,851-39,950,865, AGCCGCCGCCGCCGC deleted; deleting any 15 consecutive bases within chr7:39,950,840-39,950,865 gives the same sequence; the c. name uses the placement nearest the transcript's 3' end. VCF-style (leftmost placement, unchanged base first): chr7-39950839-GGCCGCCGCCGCAGCC-G. GRCh37 (hg19) VCF-style: chr7-39990438-GGCCGCCGCCGCAGCC-G.
Other names: c.210_224delAGCCGCCGCCGCCGC, p.Ala72_Ala76del (NM_031267.4).
Identifiers: ClinVar variation 2850310 (VCV002850310.3), dbSNP rs2483667857, ClinGen allele CA2682484802.

ClinVar aggregate classification (germline): Uncertain significance (1 of 4 stars; one submission).

Submission:

Labcorp Genetics (formerly Invitae), Labcorp
Classification: Uncertain significance. Last evaluated: 2023-10-03. Review status: criteria provided, single submitter. Criteria: Invitae Variant Classification Sherloc (09022015). Collection method: clinical testing. Allele origin: germline.
Comment: This variant, c.210_224del, results in the deletion of 5 amino acid(s) of the CDK13 protein (p.Ala72_Ala76del), but otherwise preserves the integrity of the reading frame. This variant is not present in population databases (gnomAD no frequency). This variant has not been reported in the literature in individuals affected with CDK13-related conditions. Experimental studies and prediction algorithms are not available or were not evaluated, and the functional significance of this variant is currently unknown. In summary, the available evidence is currently insufficient to determine the role of this variant in disease. Therefore, it has been classified as a Variant of Uncertain Significance.